The following is an entry in ClinVar:

ClinVar aggregate classification (germline): Pathogenic (1 of 4 stars; one submission).

Conditions:
Familial adenomatous polyposis 1 (FAP1). Also called: FAMILIAL ADENOMATOUS POLYPOSIS 1, ATTENUATED; POLYPOSIS, ADENOMATOUS INTESTINAL. Identifiers: MedGen C2713442, MONDO:0021056, OMIM 175100. Disease mechanism: loss of function.

Submission:

Labcorp Genetics (formerly Invitae), Labcorp
Classification: Pathogenic for Familial adenomatous polyposis 1. Last evaluated: 2021-01-21. Review status: criteria provided, single submitter. Criteria: Invitae Variant Classification Sherloc (09022015). Collection method: clinical testing. Allele origin: germline.
Comment: This sequence change creates a premature translational stop signal (p.Ser948Alafs*13) in the APC gene. While this is not anticipated to result in nonsense mediated decay, it is expected to disrupt the last 1896 amino acid(s) of the APC protein. This variant is not present in population databases (ExAC no frequency). This variant has not been reported in the literature in individuals with APC-related conditions. This variant is expected to disrupt the EB1 and HDLG binding sites, which mediate interactions with the cytoskeleton (PMID: 15311282, 17293347). While functional studies have not been performed to directly test the effect on APC protein function, this suggests that disruption of the C-terminal portion of the protein is functionally important. A different truncation (p.Tyr2645Lysfs*14) that lies downstream of this variant has been determined to be pathogenic (PMID: 9824584, 1316610, 27081525, 8381579, 22135120, Invitae). This suggests that deletion of this region of the APC protein is causative of disease. For these reasons, this variant has been classified as Pathogenic.

Literature cited by the submitters: PubMed 15311282; PubMed 17293347; PubMed 9824584; PubMed 1316610; PubMed 27081525; PubMed 8381579; PubMed 22135120.

NM_000038.6(APC):c.2842_2846del (p.Ser948fs)

Gene: APC (APC regulator of Wnt signaling pathway; plus strand). Cytogenetic location: 5q22.2.
Variant type: Deletion.
Coding change: c.2842_2846del on transcript NM_000038.6 (MANE Select); coding-DNA positions 2842 to 2846, 5 bases deleted (TCTAT; older notation c.2842_2846delTCTAT).
Protein change: p.Ser948fs; shifts the reading frame from serine 948.
Molecular consequence: frameshift variant.
Genome position (GRCh38, 1-based): chr5:112,838,436-112,838,440, TCTAT deleted; deleting any 5 consecutive bases within chr5:112,838,435-112,838,440 gives the same sequence; the c. name uses the placement nearest the transcript's 3' end. VCF-style (leftmost placement, unchanged base first): chr5-112838434-GTTCTA-G. GRCh37 (hg19) VCF-style: chr5-112174131-GTTCTA-G.
Other names: c.2842_2846del, p.Ser948fs (NM_001127510.3, NM_001354895.2); c.2788_2792del, p.Ser930fs (NM_001127511.3); c.2896_2900del, p.Ser966fs (NM_001354896.2); c.2872_2876del, p.Ser958fs (NM_001354897.2); c.2767_2771del, p.Ser923fs (NM_001354898.2); c.2758_2762del, p.Ser920fs (NM_001354899.2); c.2719_2723del, p.Ser907fs (NM_001354900.2); c.2665_2669del, p.Ser889fs (NM_001354901.2); and 5 more; short protein forms S923fs, S958fs, S788fs, S889fs, S966fs, S822fs, S847fs, S857fs.
Identifiers: ClinVar variation 1390374 (VCV001390374.8), dbSNP rs2149878645, ClinGen allele CA2573138927.